The following is an entry in ClinVar:

NM_014946.4(SPAST):c.1375del (p.Arg459fs)

Gene: SPAST (spastin; plus strand). Cytogenetic location: 2p22.3.
Variant type: Deletion.
Coding change: c.1375del on transcript NM_014946.4 (MANE Select); coding-DNA position 1375, one base deleted (A; older notation c.1375delA).
Protein change: p.Arg459fs; shifts the reading frame from arginine 459.
Molecular consequence: frameshift variant.
Genome position (GRCh38, 1-based): chr2:32,136,930, A deleted. VCF-style (leftmost placement, unchanged base first): chr2-32136929-TA-T. GRCh37 (hg19) VCF-style: chr2-32361998-TA-T.
Other names: c.1372del, p.Arg458fs (NM_001363823.2); c.1276del, p.Arg426fs (NM_001363875.2); c.1279del, p.Arg427fs (NM_001377959.1, NM_199436.2); short protein forms R426fs, R427fs, R458fs, R459fs.
Identifiers: ClinVar variation 1076083 (VCV001076083.7), dbSNP rs2148754018, ClinGen allele CA2499215908.

ClinVar aggregate classification (germline): Pathogenic (1 of 4 stars; one submission).

Conditions:
Hereditary spastic paraplegia 4. Also called: Spastic paraplegia 4, autosomal dominant; Spastic Paraplegia 4; Familial spastic paraplegia autosomal dominant 2. Identifiers: Orphanet 100985, MedGen C1866855, MONDO:0008438, OMIM 182601.

Submission:

Labcorp Genetics (formerly Invitae), Labcorp
Classification: Pathogenic for Hereditary spastic paraplegia 4. Last evaluated: 2020-01-20. Review status: criteria provided, single submitter. Criteria: Invitae Variant Classification Sherloc (09022015). Collection method: clinical testing. Allele origin: germline.
Comment: For these reasons, this variant has been classified as Pathogenic. Loss-of-function variants in SPAST are known to be pathogenic (PMID: 20932283). This variant has not been reported in the literature in individuals with SPAST-related conditions. This variant is not present in population databases (ExAC no frequency). This sequence change creates a premature translational stop signal (p.Arg459Aspfs*3) in the SPAST gene. It is expected to result in an absent or disrupted protein product.

Literature cited by the submitters: PubMed 20932283.